The following is an entry in ClinVar:

GRCh37/hg19 16p13.11(chr16:14897625-16514111)x1

Genes: ABCC1 (ATP binding cassette subfamily C member 1 (ABCC1 blood group); plus strand), ABCC6 (ATP binding cassette subfamily C member 6; minus strand), BMERB1 (bMERB domain containing 1; plus strand), CEP20 (centrosomal protein 20; minus strand), MARF1 (meiosis regulator and mRNA stability factor 1; minus strand) and 10 more. Cytogenetic location: 16p13.11.
Variant type: copy number loss.
Change: copy number 1 (one copy instead of two) of chr16:14,897,625-16,514,111 (1.62 Mb, GRCh37 coordinates, 1-based), cytogenetic band 16p13.11.
Identifiers: ClinVar variation 815797 (VCV000815797.3).

ClinVar aggregate classification (germline): Pathogenic (1 of 4 stars; one submission).

Submission:

Quest Diagnostics Nichols Institute San Juan Capistrano
Classification: Pathogenic. Last evaluated: 2022-07-29. Review status: criteria provided, single submitter. Criteria: ACMG/ClinGen CNV Guidelines, 2019. Collection method: clinical testing. Allele origin: unknown.
Comment: Inherited and de novo deletions involving 16p13.11 have been implicated in variable phenotypes ranging from unaffected to neurodevelopmental disorders with intellectual disability (Tropeano et al. PLoS One. 2013 Apr 18;8(4):e61365. PMID: 23637818; Nagamani et al., Eur J Hum Genet. 2010 19(3):280-6, PMID: 21150890; Hannes et al., 2009. J Med Genet. 46(4):223-32, PMID: 18550696; Ullmann et al., 2007. Hum Mutat. 28(7):674-82, PMID: 17480035; Rehm et al., N Engl J Med. 2015 Jun 4;372(23):2235-42. PMID: 26014595 ISCA-37415). Inheritance from a normal or mildly affected parent has been reported, suggesting incomplete penetrance and variable expressivity. This copy number loss is classified as pathogenic.